The following is an entry in ClinVar:

NM_001267550.2(TTN):c.102230T>C (p.Ile34077Thr)

Genes: TTN-AS1 (TTN antisense RNA 1; plus strand), TTN (titin; minus strand). Cytogenetic location: 2q31.2.
Variant type: single nucleotide variant.
Coding change: c.102230T>C on transcript NM_001267550.2 (MANE Select); coding-DNA position 102230, T replaced by C.
Protein change: p.Ile34077Thr; replaces isoleucine 34077 with threonine.
Molecular consequence: missense variant.
Genome position (GRCh38, 1-based): chr2:178,534,385, A>G on the plus strand (T>C on the coding strand, the complement: TTN is on the minus strand). VCF-style: chr2-178534385-A-G. GRCh37 (hg19) VCF-style: chr2-179399112-A-G.
Other names: c.97307T>C, p.Ile32436Thr (NM_001256850.1); c.75035T>C, p.Ile25012Thr (NM_003319.4); c.94526T>C, p.Ile31509Thr (NM_133378.4); c.75410T>C, p.Ile25137Thr (NM_133432.3); c.75611T>C, p.Ile25204Thr (NM_133437.4); short protein forms I34077T, I25137T, I32436T, I25204T, I25012T, I31509T.
Identifiers: ClinVar variation 466700 (VCV000466700.12), dbSNP rs1290306844, ClinGen allele CA349418075.

ClinVar aggregate classification (germline): Uncertain significance (1 of 4 stars; one submission).

Conditions:
Autosomal recessive limb-girdle muscular dystrophy type 2J (LGMDR10). Also called: Limb-girdle muscular dystrophy, type 2J; MUSCULAR DYSTROPHY, LIMB-GIRDLE, AUTOSOMAL RECESSIVE 10. Identifiers: Orphanet 140922, MedGen C1837342, MONDO:0012127, OMIM 608807.
Dilated cardiomyopathy 1G (CMD1G). Identifiers: Orphanet 154, MedGen C1858763, MONDO:0011400, OMIM 604145.

Allele frequency attached by ClinVar (database versions not stated): gnomAD exomes below 0.00001.
gnomAD v4.1: 3 of 1,610,654 alleles (0.00019%); highest among the groups gnomAD compares: South Asian, 0.0033%; no homozygotes.

Submission:

Labcorp Genetics (formerly Invitae), Labcorp
Classification: Uncertain significance for Dilated cardiomyopathy 1G; Autosomal recessive limb-girdle muscular dystrophy type 2J. Last evaluated: 2025-10-24. Review status: criteria provided, single submitter. Criteria: Invitae Variant Classification Sherloc (09022015). Collection method: clinical testing. Allele origin: germline.
Comment: This sequence change replaces isoleucine, which is neutral and non-polar, with threonine, which is neutral and polar, at codon 34077 of the TTN protein (p.Ile34077Thr). This variant is present in population databases (no rsID available, gnomAD 0.003%). This variant has not been reported in the literature in individuals affected with TTN-related conditions. ClinVar contains an entry for this variant (Variation ID: 466700). An algorithm developed to predict the effect of missense changes on protein structure and function outputs the following: PolyPhen-2: "Not Available". The threonine amino acid residue is found in multiple mammalian species, which suggests that this missense change does not adversely affect protein function. This variant is located in the M band of TTN (PMID: 25589632). Non-truncating variants in this region may be relevant for neuromuscular disorders, but have not been definitively shown to cause cardiomyopathy (PMID: 23975875). In summary, the available evidence is currently insufficient to determine the role of this variant in disease. Therefore, it has been classified as a Variant of Uncertain Significance.

Literature cited by the submitters: PubMed 25589632; PubMed 23975875.